The following is an entry in ClinVar:

ClinVar aggregate classification (germline): Pathogenic/Likely pathogenic. Review status: criteria provided, multiple submitters, no conflicts (2 of 4 stars). 3 submissions from 3 submitters: Pathogenic (1); Likely pathogenic (2). Last evaluated 2024-10-05.

Conditions:
Cardiovascular phenotype. Identifiers: MedGen CN230736.
Autosomal recessive limb-girdle muscular dystrophy type 2J (LGMDR10). Also called: Limb-girdle muscular dystrophy, type 2J; MUSCULAR DYSTROPHY, LIMB-GIRDLE, AUTOSOMAL RECESSIVE 10. Identifiers: Orphanet 140922, MedGen C1837342, MONDO:0012127, OMIM 608807.
Dilated cardiomyopathy 1G (CMD1G). Identifiers: Orphanet 154, MedGen C1858763, MONDO:0011400, OMIM 604145.

Allele frequency attached by ClinVar (database versions not stated): TOPMed 0.00001.

Submissions (3):

Dasa
Classification: Pathogenic. Last evaluated: 2024-10-05. Review status: criteria provided, single submitter. Criteria: DASA Assertion Criteria. Collection method: clinical testing. Allele origin: germline.
Comment: NM_001267550.2(TTN):c.47885dup (p.Met15963Asnfs*7) introduces a premature termination codon predicted to result in loss of normal protein function. Loss-of-function is an established mechanism of disease for this gene. Multiple computational predictions support a deleterious effect on the gene or gene product. Based on the available data, this variant is classified as pathogenic.

Ambry Genetics
Classification: Likely pathogenic for Cardiovascular phenotype. Last evaluated: 2023-12-06. Review status: criteria provided, single submitter. Criteria: Ambry Variant Classification Scheme 2023. Collection method: clinical testing. Allele origin: germline.
Comment: The c.20690dupC variant, located in coding exon 83 of the TTN gene, results from a duplication of C at nucleotide position 20690, causing a translational frameshift with a predicted alternate stop codon (p.M6898Nfs*7). This exon is located in the A-band region of the N2-B isoform of the titin protein and is constitutively expressed in TTN transcripts (percent spliced in or PSI 100%). This variant is considered to be rare based on population cohorts in the Genome Aggregation Database (gnomAD). This alteration is expected to result in loss of function by premature protein truncation or nonsense-mediated mRNA decay. While truncating variants in TTN are present in 1-3% of the general population, truncating variants in the A-band are the most common cause of dilated cardiomyopathy (DCM) (Herman DS et al. N. Engl. J. Med., 2012 Feb;366:619-28; Roberts AM et al. Sci Transl Med, 2015 Jan;7:270ra6). TTN truncating variants encoded in constitutive exons (PSI >90%) have been found to be significantly associated with DCM regardless of their position in titin (Schafer S et al. Nat. Genet., 2017 01;49:46-53). Based on the majority of available evidence to date, this variant is likely to be pathogenic.

Labcorp Genetics (formerly Invitae), Labcorp
Classification: Likely pathogenic for Dilated cardiomyopathy 1G; Autosomal recessive limb-girdle muscular dystrophy type 2J. Last evaluated: 2022-04-08. Review status: criteria provided, single submitter. Criteria: Invitae Variant Classification Sherloc (09022015). Collection method: clinical testing. Allele origin: germline.
Comment: This sequence change creates a premature translational stop signal (p.Met15963Asnfs*7) in the TTN gene. While this is not anticipated to result in nonsense mediated decay, it is expected to create a truncated TTN protein. This variant is not present in population databases (gnomAD no frequency). This variant has not been reported in the literature in individuals affected with TTN-related conditions. This variant is located in the A band of TTN (PMID: 25589632). Truncating variants in this region are significantly overrepresented in patients affected with dilated cardiomyopathy (PMID: 25589632). Truncating variants in this region have also been reported in individuals affected with autosomal recessive centronuclear myopathy (PMID: 23975875). In summary, the currently available evidence indicates that the variant is pathogenic, but additional data are needed to prove that conclusively. Therefore, this variant has been classified as Likely Pathogenic.

Literature cited by the submitters: PubMed 25589632 (cited by Labcorp Genetics (formerly Invitae), Labcorp); PubMed 23975875 (cited by Labcorp Genetics (formerly Invitae), Labcorp).

NM_001267550.2(TTN):c.47885dup (p.Met15963fs)

Genes: TTN (titin; minus strand), TTN-AS1 (TTN antisense RNA 1; plus strand). Cytogenetic location: 2q31.2.
Variant type: Duplication.
Coding change: c.47885dup on transcript NM_001267550.2 (MANE Select); coding-DNA position 47885, one base duplicated (C; older notation c.47885dupC).
Protein change: p.Met15963fs; shifts the reading frame from methionine 15963.
Molecular consequence: frameshift variant.
Genome position (GRCh38, 1-based): chr2:178,617,004, G duplicated on the plus strand (C on the coding strand, the reverse complement: TTN is on the minus strand). VCF-style (leftmost placement, unchanged base first): chr2-178617003-T-TG. GRCh37 (hg19) VCF-style: chr2-179481730-T-TG.
Other names: c.20690dupC (NM_003319.4); c.42962dup, p.Met14322fs (NM_001256850.1); c.20690dup, p.Met6898fs (NM_003319.4); c.40181dup, p.Met13395fs (NM_133378.4); c.21065dup, p.Met7023fs (NM_133432.3); c.21266dup, p.Met7090fs (NM_133437.4); short protein forms M13395fs, M7023fs, M7090fs, M6898fs, M14322fs, M15963fs.
Identifiers: ClinVar variation 1508257 (VCV001508257.8), dbSNP rs2057454001, ClinGen allele CA1310550659.
Genomic context (GRCh38, chr2:178,617,003, plus strand): 5'-GATCGTGATAGGATTTGGGACAATAACTTCCAGACCATCTTTAAATGCACTTAAATCCAT[T>TG]GTTGGTTCAACTACAAAGAAGAAAAGTTAATGAGTTTGCAGTGCCATATTTAAGTCCCTG-3'